The following is an entry in ClinVar:

NM_152703.5(SAMD9L):c.3009C>G (p.Ser1003Arg)

Gene: SAMD9L (sterile alpha motif domain containing 9 like; minus strand). Cytogenetic location: 7q21.2.
Variant type: single nucleotide variant.
Coding change: c.3009C>G on transcript NM_152703.5 (MANE Select); coding-DNA position 3009, C replaced by G.
Protein change: p.Ser1003Arg; replaces serine 1003 with arginine.
Molecular consequence: missense variant.
Genome position (GRCh38, 1-based): chr7:93,132,963, G>C on the plus strand (C>G on the coding strand, the complement: SAMD9L is on the minus strand). VCF-style: chr7-93132963-G-C. GRCh37 (hg19) VCF-style: chr7-92762276-G-C.
Other names: c.3009C>G, p.Ser1003Arg (NM_001303498.3, NM_001303500.3, NM_001350082.2 and 5 more transcripts); short protein forms S1003R.
Identifiers: ClinVar variation 4864023 (VCV004864023.1).

ClinVar aggregate classification (germline): Uncertain significance (1 of 4 stars; one submission).

Conditions:
Inborn genetic diseases. Identifiers: MedGen C0950123, MeSH D030342.

Submission:

Ambry Genetics
Classification: Uncertain significance for Inborn genetic diseases. Last evaluated: 2026-06-02. Review status: criteria provided, single submitter. Criteria: Ambry Variant Classification Scheme 2023. Collection method: clinical testing. Allele origin: germline.
Comment: The p.S1003R variant (also known as c.3009C>G), located in coding exon 1 of the SAMD9L gene, results from a C to G substitution at nucleotide position 3009. The serine at codon 1003 is replaced by arginine, an amino acid with dissimilar properties. This amino acid position is conserved. In addition, this alteration is predicted to be tolerated by in silico analysis. Based on the available evidence, the clinical significance of this variant remains unclear.